The following is an entry in ClinVar:

ClinVar aggregate classification (germline): Uncertain significance (1 of 4 stars; one submission).

Allele frequency attached by ClinVar (database versions not stated): gnomAD exomes below 0.00001; ExAC 0.00001; gnomAD 0.00001.
gnomAD v4.1: 7 of 1,608,980 alleles (0.00044%); highest among the groups gnomAD compares: Middle Eastern, 0.033%; no homozygotes.

Submission:

Labcorp Genetics (formerly Invitae), Labcorp
Classification: Uncertain significance. Last evaluated: 2024-02-24. Review status: criteria provided, single submitter. Criteria: Invitae Variant Classification Sherloc (09022015). Collection method: clinical testing. Allele origin: germline.
Comment: This sequence change replaces valine, which is neutral and non-polar, with alanine, which is neutral and non-polar, at codon 119 of the IFT52 protein (p.Val119Ala). This variant is present in population databases (rs763335746, gnomAD no frequency). This variant has not been reported in the literature in individuals affected with IFT52-related conditions. ClinVar contains an entry for this variant (Variation ID: 1440740). Advanced modeling of protein sequence and biophysical properties (such as structural, functional, and spatial information, amino acid conservation, physicochemical variation, residue mobility, and thermodynamic stability) performed at Invitae indicates that this missense variant is not expected to disrupt IFT52 protein function with a negative predictive value of 80%. In summary, the available evidence is currently insufficient to determine the role of this variant in disease. Therefore, it has been classified as a Variant of Uncertain Significance.

NM_016004.5(IFT52):c.356T>C (p.Val119Ala)

Gene: IFT52 (intraflagellar transport 52; plus strand). Cytogenetic location: 20q13.12.
Variant type: single nucleotide variant.
Coding change: c.356T>C on transcript NM_016004.5 (MANE Select); coding-DNA position 356, T replaced by C.
Protein change: p.Val119Ala; replaces valine 119 with alanine.
Molecular consequence: missense variant. On other transcripts: 5 prime UTR variant (4).
Genome position (GRCh38, 1-based): chr20:43,604,201, T>C. VCF-style: chr20-43604201-T-C. GRCh37 (hg19) VCF-style: chr20-42232841-T-C.
Other names: c.356T>C, p.Val119Ala (NM_001303458.3, NM_001303459.3); c.-316T>C (NM_001323578.2, NM_001323580.2); c.-409T>C (NM_001323579.2, NM_001323581.2); short protein forms V119A.
Identifiers: ClinVar variation 1440740 (VCV001440740.6), dbSNP rs763335746, ClinGen allele CA9866846.